The following is an entry in ClinVar:

NM_000222.3(KIT):c.821C>T (p.Thr274Met)

Gene: KIT (KIT proto-oncogene, receptor tyrosine kinase; plus strand). Cytogenetic location: 4q12.
Variant type: single nucleotide variant.
Coding change: c.821C>T on transcript NM_000222.3 (MANE Select); coding-DNA position 821, C replaced by T.
Protein change: p.Thr274Met; replaces threonine 274 with methionine.
Molecular consequence: missense variant.
Genome position (GRCh38, 1-based): chr4:54,703,788, C>T. VCF-style: chr4-54703788-C-T. GRCh37 (hg19) VCF-style: chr4-55569954-C-T.
Other names: c.821C>T, p.Thr274Met (NM_001093772.2, NM_001385285.1, NM_001385286.1); c.824C>T, p.Thr275Met (NM_001385284.1, NM_001385288.1, NM_001385290.1 and 1 more transcripts); short protein forms T274M, T275M.
Identifiers: ClinVar variation 41604 (VCV000041604.35), dbSNP rs138585275, ClinGen allele CA215599.

ClinVar aggregate classification (germline): Conflicting classifications of pathogenicity. Review status: criteria provided, conflicting classifications (1 of 4 stars). 14 submissions from 12 submitters: Uncertain significance (5); Benign (4); Likely benign (3). 2 of the submissions do not count toward it. Last evaluated 2026-05-26.

Conditions:
Hereditary cancer-predisposing syndrome. Also called: Tumor predisposition; Neoplastic Syndromes, Hereditary; Hereditary neoplastic syndrome; Hereditary Cancer Syndrome. Identifiers: Orphanet 140162, MedGen C0027672, MeSH D009386, MONDO:0015356.
Mastocytosis. Also called: Mast Cell Disease. Identifiers: Orphanet 98292, MedGen C0024899, MONDO:0007950, HP:0100495.
Gastrointestinal stromal tumor. Also called: Gastrointestinal stromal tumor, somatic; Gastrointestinal stroma tumor. Identifiers: Orphanet 44890, MedGen C0238198, MeSH D046152, MONDO:0011719, OMIM 606764, HP:0100723.
Gastrointestinal stromal tumor, familial. Identifiers: MedGen C2674636.
Piebaldism. Also called: Piebald skin depigmentation. Identifiers: Orphanet 2884, MedGen C0080024, MONDO:0008244, OMIM 172800, HP:0007544.

Allele frequency attached by ClinVar (database versions not stated): gnomAD 0.00035 and 0.00036; ESP Exome Variant Server 0.00038; 1000 Genomes Project 0.00020; 1000 Genomes Project 30x 0.00031; TOPMed 0.00039; gnomAD exomes 0.00042 and 0.00049; ExAC 0.00046.
gnomAD v4.1: 678 of 1,613,308 alleles (0.042%); highest among the groups gnomAD compares: Admixed American, 0.072%; 1 homozygote.

Submissions (14):

Myriad Genetics, Inc.
Classification: Likely benign for Gastrointestinal stromal tumor. Last evaluated: 2026-05-26. Review status: criteria provided, single submitter. Criteria: Myriad Autosomal Dominant, Autosomal Recessive and X-Linked Classification Criteria (2023). Collection method: clinical testing. Allele origin: unknown.
Comment: This variant is considered likely benign. This variant has been observed at a population frequency that is significantly greater than expected given the associated disease prevalence and penetrance.

Dasa
Classification: Uncertain significance. Last evaluated: 2026-02-04. Review status: criteria provided, single submitter. Criteria: DASA Assertion Criteria. Collection method: clinical testing. Allele origin: germline.
Comment: NM_000222.3(KIT):c.821C>T (p.Thr274Met) is a missense variant that results in the substitution of threonine with methionine. This variant is rare in population databases. Computational prediction algorithms are consistent with a benign effect. The currently available literature and clinical evidence are not sufficient to establish a definitive association between this variant and the reported condition. Therefore, this variant is classified as a variant of uncertain significance.

Labcorp Genetics (formerly Invitae), Labcorp
Classification: Benign for Gastrointestinal stromal tumor. Last evaluated: 2026-02-03. Review status: criteria provided, single submitter. Criteria: Invitae Variant Classification Sherloc (09022015). Collection method: clinical testing. Allele origin: germline.

Blueprint Genetics
Classification: Likely benign. Last evaluated: 2024-11-18. Review status: criteria provided, single submitter. Criteria: ACMG Guidelines, 2015. Collection method: clinical testing. Allele origin: germline.

Ambry Genetics
Classification: Benign for Hereditary cancer-predisposing syndrome. Last evaluated: 2024-08-20. Review status: criteria provided, single submitter. Criteria: Ambry Variant Classification Scheme 2023. Collection method: clinical testing. Allele origin: germline.

Institute for Clinical Genetics, University Hospital TU Dresden, University Hospital TU Dresden
Classification: Uncertain significance. Last evaluated: 2021-11-03. Review status: criteria provided, single submitter. Criteria: ACMG Guidelines, 2015. Collection method: clinical testing. Allele origin: germline.

Sema4
Classification: Likely benign for Hereditary cancer-predisposing syndrome. Last evaluated: 2021-04-20. Review status: criteria provided, single submitter. Criteria: Sema4 Curation Guidelines. Collection method: curation. Allele origin: germline.

Genetic Services Laboratory, University of Chicago
Classification: Benign. Last evaluated: 2021-03-29. Review status: criteria provided, single submitter. Criteria: ACMG Guidelines, 2015. Collection method: clinical testing. Allele origin: germline. Affected: no.

Illumina Laboratory Services, Illumina
Classification: Uncertain significance for Gastrointestinal stromal tumor. Last evaluated: 2017-04-27. Review status: criteria provided, single submitter. Criteria: ICSL Variant Classification Criteria 13 December 2019. Collection method: clinical testing. Allele origin: germline.
Comment: This variant was observed as part of a predisposition screen in an ostensibly healthy population. A literature search was performed for the gene, cDNA change, and amino acid change (where applicable). Publications were found based on this search. However, the evidence from the literature, in combination with allele frequency data from public databases where available, was not sufficient to rule this variant in or out of causing disease. Therefore, this variant is classified as a variant of unknown significance.

Illumina Laboratory Services, Illumina
Classification: Benign for Cutaneous mastocytosis. Last evaluated: 2017-04-27. Review status: criteria provided, single submitter. Criteria: ICSL Variant Classification Criteria 13 December 2019. Collection method: clinical testing. Allele origin: germline.
Comment: This variant was observed as part of a predisposition screen in an ostensibly healthy population. A literature search was performed for the gene, cDNA change, and amino acid change (where applicable). No publications were found based on this search. Allele frequency data from public databases was too high to be consistent with this variant causing disease. Therefore, this variant is classified as benign.

Illumina Laboratory Services, Illumina
Classification: Uncertain significance for Piebaldism. Last evaluated: 2017-04-27. Review status: criteria provided, single submitter. Criteria: ICSL Variant Classification Criteria 13 December 2019. Collection method: clinical testing. Allele origin: germline.

CSER _CC_NCGL, University of Washington
Classification: Uncertain significance for Gastrointestinal stromal tumor, familial. Last evaluated: 2016-01-01. Review status: criteria provided, single submitter. Criteria: Amendola et al. (Genome Res. 2015). Collection method: research. Allele origin: germline. Inheritance: Autosomal dominant inheritance. Study: CSER - NEXT Medicine variant annotation.
Comment: .GERP=1.21.ExAC Alt Allele Frequencies=AFR:0.010%,NFE:0.063%,EAS:0.0%,SAS:0.0%,FIN:0.0%,AMR:0.113%,OTH:0.0%.

Biesecker Lab/Clinical Genomics Section, National Institutes of Health
Classification: Uncertain significance. Last evaluated: 2012-07-13. Review status: no assertion criteria provided. Collection method: research. Allele origin: germline. Affected: no. Observed: 3 variant alleles. Study: ClinSeq. Not counted in ClinVar's aggregate classification.
ClinVar note: Converted during submission from variant of unknown significance to Uncertain significance.

Department of Pathology and Laboratory Medicine, Sinai Health System
Classification: Uncertain significance. Review status: no assertion criteria provided. Collection method: clinical testing. Allele origin: unknown. Affected: yes. Study: The Canadian Open Genetics Repository (COGR). Not counted in ClinVar's aggregate classification.
Comment: The KIT p.Thr274Met variant was identified in dbSNP (ID: rs138585275), Cosmic (FATHMM predicted neutral; score=0.04) and in ClinVar (classified as a VUS by CSER_CC_NCGL University of Washington Medical Centre and Biesecker Lab/Human Development Section NIH and as benign by Invitae for gastrointenstinal stroma tumor). The variant was also identified in control databases in 131 of 282620 chromosomes (1 homozygous) at a frequency of 0.000464 increasing the likelihood this could be a low frequency benign variant (Genome Aggregation Database Feb 27, 2017). The variant was observed in the following populations: Ashkenazi Jewish in 49 of 10364 chromosomes (freq: 0.004728), Other in 7 of 7220 chromosomes (freq: 0.00097), Latino in 33 of 35430 chromosomes (freq: 0.000931), European (non-Finnish) in 37 of 128978 chromosomes (freq: 0.000287), African in 4 of 24958 chromosomes (freq: 0.00016) and European (Finnish) in 1 of 25120 chromosomes (freq: 0.00004); it was not observed in the East Asian and South Asian populations. The variant occurs outside of the splicing consensus sequence and in silico or computational prediction software programs (SpliceSiteFinder, MaxEntScan, NNSPLICE, GeneSplicer) do not predict a difference in splicing at the variant location. The p.Thr274 residue is not conserved in mammals and computational analyses (PolyPhen-2, SIFT, AlignGVGD, BLOSUM, MutationTaster) provide inconsistent predictions regarding the impact to the protein. This information is not very predictive of pathogenicity. In summary, based on the above information the clinical significance of this variant cannot be determined with certainty at this time. This variant is classified as a variant of uncertain significance.

Literature cited by the submitters: PubMed 23020152 (cited by Illumina Laboratory Services, Illumina).